The following is an entry in ClinVar:

ClinVar aggregate classification (germline): Likely benign (1 of 4 stars; one submission).

Allele frequency attached by ClinVar (database versions not stated): 1000 Genomes Project 0.00040; 1000 Genomes Project 30x 0.00094; TOPMed 0.00346; gnomAD 0.00354; ExAC 0.00467.
gnomAD v4.1: 7,842 of 1,454,890 alleles (0.54%); highest among the groups gnomAD compares: Non-Finnish European, 0.65%; 24 homozygotes.

Submission:

CeGaT Center for Human Genetics Tuebingen
Classification: Likely benign. Last evaluated: 2026-01-01. Review status: criteria provided, single submitter. Criteria: CeGaT Center For Human Genetics Tuebingen Variant Classification Criteria Version 2. Collection method: clinical testing. Allele origin: germline. Affected: yes. Observed: 4 variant alleles.
Comment: SCRT1: BP4, BP7, BS2; SLC52A2: BS2

NM_031309.6(SCRT1):c.231G>A (p.Leu77=)

Genes: SCRT1 (scratch family transcriptional repressor 1; minus strand), SLC52A2 (solute carrier family 52 member 2; plus strand). Cytogenetic location: 8q24.3.
Variant type: single nucleotide variant.
Coding change: c.231G>A on transcript NM_031309.6 (MANE Select); coding-DNA position 231, G replaced by A.
Protein change: p.Leu77=; no amino-acid change (leucine 77 retained).
Molecular consequence: synonymous variant.
Genome position (GRCh38, 1-based): chr8:144,334,001, C>T on the plus strand (G>A on the coding strand, the complement: SCRT1 is on the minus strand). VCF-style: chr8-144334001-C-T. GRCh37 (hg19) VCF-style: chr8-145557663-C-T.
Identifiers: ClinVar variation 2658979 (VCV002658979.24), dbSNP rs544319039, ClinGen allele CA4937238.